The following is an entry in ClinVar:

ClinVar aggregate classification (germline): Uncertain significance (1 of 4 stars; one submission).

Conditions:
MOGS-congenital disorder of glycosylation. Also called: GLUCOSIDASE I DEFICIENCY; CDG 2B; MOGS-CDG; CDG IIb. Identifiers: Orphanet 79330, MedGen C1853736, MONDO:0011629, OMIM 606056.

Allele frequency attached by ClinVar (database versions not stated): ExAC 0.00001; gnomAD exomes 0.00001 and 0.00002; gnomAD 0.00002; TOPMed 0.00002.
gnomAD v4.1: 14 of 1,614,010 alleles (0.00087%); highest among the groups gnomAD compares: Middle Eastern, 0.016%; no homozygotes.

Submission:

Labcorp Genetics (formerly Invitae), Labcorp
Classification: Uncertain significance for MOGS-congenital disorder of glycosylation. Last evaluated: 2022-01-20. Review status: criteria provided, single submitter. Criteria: Invitae Variant Classification Sherloc (09022015). Collection method: clinical testing. Allele origin: germline.
Comment: This sequence change replaces arginine, which is basic and polar, with glutamine, which is neutral and polar, at codon 815 of the MOGS protein (p.Arg815Gln). This variant is present in population databases (rs778832533, gnomAD 0.007%). This variant has not been reported in the literature in individuals affected with MOGS-related conditions. ClinVar contains an entry for this variant (Variation ID: 659437). Algorithms developed to predict the effect of missense changes on protein structure and function (SIFT, PolyPhen-2, Align-GVGD) all suggest that this variant is likely to be tolerated. In summary, the available evidence is currently insufficient to determine the role of this variant in disease. Therefore, it has been classified as a Variant of Uncertain Significance.

NM_006302.3(MOGS):c.2444G>A (p.Arg815Gln)

Gene: MOGS (mannosyl-oligosaccharide glucosidase; minus strand). Cytogenetic location: 2p13.1.
Variant type: single nucleotide variant.
Coding change: c.2444G>A on transcript NM_006302.3 (MANE Select); coding-DNA position 2444, G replaced by A.
Protein change: p.Arg815Gln; replaces arginine 815 with glutamine.
Molecular consequence: missense variant.
Genome position (GRCh38, 1-based): chr2:74,461,345, C>T on the plus strand (G>A on the coding strand, the complement: MOGS is on the minus strand). VCF-style: chr2-74461345-C-T. GRCh37 (hg19) VCF-style: chr2-74688472-C-T.
Other names: c.2444G>A, p.Arg815Gln (LRG_1226t1); c.2126G>A, p.Arg709Gln (NM_001146158.2); short protein forms R709Q, R815Q.
Identifiers: ClinVar variation 659437 (VCV000659437.6), dbSNP rs778832533, ClinGen allele CA1724580.